The following is an entry in ClinVar:

ClinVar aggregate classification (germline): Uncertain significance (1 of 4 stars; one submission).

Allele frequency attached by ClinVar (database versions not stated): gnomAD exomes below 0.00001; gnomAD 0.00001.
gnomAD v4.1: 2 of 1,607,140 alleles (0.00012%); highest among the groups gnomAD compares: African/African-American, 0.0027%; no homozygotes.

Submission:

Labcorp Genetics (formerly Invitae), Labcorp
Classification: Uncertain significance. Last evaluated: 2023-12-11. Review status: criteria provided, single submitter. Criteria: Invitae Variant Classification Sherloc (09022015). Collection method: clinical testing. Allele origin: germline.
Comment: This sequence change falls in intron 8 of the DMXL2 gene. It does not directly change the encoded amino acid sequence of the DMXL2 protein. It affects a nucleotide within the consensus splice site. This variant is present in population databases (no rsID available, gnomAD 0.01%). This variant has not been reported in the literature in individuals affected with DMXL2-related conditions. ClinVar contains an entry for this variant (Variation ID: 2131804). Variants that disrupt the consensus splice site are a relatively common cause of aberrant splicing (PMID: 17576681, 9536098). Algorithms developed to predict the effect of sequence changes on RNA splicing suggest that this variant is not likely to affect RNA splicing. In summary, the available evidence is currently insufficient to determine the role of this variant in disease. Therefore, it has been classified as a Variant of Uncertain Significance.

Literature cited by the submitters: PubMed 17576681; PubMed 9536098.

NM_001378457.1(DMXL2):c.930+6A>G

Gene: DMXL2 (Dmx like 2; minus strand). Cytogenetic location: 15q21.2.
Variant type: single nucleotide variant.
Coding change: c.930+6A>G on transcript NM_001378457.1 (MANE Select); 6 bases into the intron after coding-DNA position 930, A replaced by G.
Molecular consequence: intron variant.
Genome position (GRCh38, 1-based): chr15:51,545,577, T>C on the plus strand (A>G on the coding strand, the complement: DMXL2 is on the minus strand). VCF-style: chr15-51545577-T-C. GRCh37 (hg19) VCF-style: chr15-51837774-T-C.
Other names: c.930+6A>G (NM_001378460.1, NM_001174117.3, NM_015263.5 and 7 more transcripts).
Identifiers: ClinVar variation 2131804 (VCV002131804.4), dbSNP rs915426200, ClinGen allele CA618011624.